The following is an entry in ClinVar:

ClinVar aggregate classification (germline): Uncertain significance (1 of 4 stars; one submission).

Conditions:
Fetal anomalies with a likely genetic cause.

Submission:

Genetics Laboratory, Great Ormond Street Hospital NHS Foundation Trust, North Thames Genomic Laboratory Hub
Classification: Uncertain significance for Fetal anomalies with a likely genetic cause. Last evaluated: 2026-02-18. Review status: criteria provided, single submitter. Criteria: ACGS Best Practice Guidelines for Variant Classification in Rare Disease 2024 v1.2. Collection method: clinical testing. Allele origin: germline. Affected: yes.
Comment: PM2_moderate, PM4_moderate

NM_005807.6(PRG4):c.1392CAAGGAGCCTGCACCCACCAC[1] (p.465KEPAPTT[1])

Gene: PRG4 (proteoglycan 4; plus strand). Cytogenetic location: 1q31.1.
Variant type: Microsatellite.
Coding change: c.1392CAAGGAGCCTGCACCCACCAC[1] on transcript NM_005807.6 (MANE Select); one copy of the 21-base unit CAAGGAGCCTGCACCCACCAC starting at c.1392; the reference has two copies in a row; one copy, 21 bases deleted.
Protein change: p.465KEPAPTT[1].
Molecular consequence: inframe deletion.
Genome position (GRCh38, 1-based): chr1:186,307,132-186,307,152, CAAGGAGCCTGCACCCACCAC deleted; deleting any 21 consecutive bases within chr1:186,307,110-186,307,152 gives the same sequence; the position shown is the placement nearest the transcript's 3' end. VCF-style (leftmost placement, unchanged base first): chr1-186307109-CCCAAGGAGCCTGCACCCACCA-C. GRCh37 (hg19) VCF-style: chr1-186276241-CCCAAGGAGCCTGCACCCACCA-C.
Other names: c.1269CAAGGAGCCTGCACCCACCAC[1], p.424KEPAPTT[1] (NM_001127708.3); c.1113CAAGGAGCCTGCACCCACCAC[1], p.372KEPAPTT[1] (NM_001127709.3); c.990CAAGGAGCCTGCACCCACCAC[1], p.331KEPAPTT[1] (NM_001127710.3); c.1263CAAGGAGCCTGCACCCACCAC[1], p.422KEPAPTT[1] (NM_001303232.2).
Identifiers: ClinVar variation 4820292 (VCV004820292.1).